The following is an entry in ClinVar:

ClinVar aggregate classification (germline): Likely benign. Review status: criteria provided, multiple submitters, no conflicts (2 of 4 stars). 3 submissions from 3 submitters: Likely benign (2). 1 of the submissions does not count toward it. Last evaluated 2026-09-01.

Conditions:
FCSK-related disorder. Also called: FCSK-related condition.

Allele frequency attached by ClinVar (database versions not stated): ESP Exome Variant Server 0.00012; ExAC 0.00045; TOPMed 0.00065.
gnomAD v4.1: 1,464 of 1,512,530 alleles (0.097%); highest among the groups gnomAD compares: Non-Finnish European, 0.12%; 2 homozygotes.

Submissions (3):

CeGaT Center for Human Genetics Tuebingen
Classification: Likely benign. Last evaluated: 2026-09-01. Review status: criteria provided, single submitter. Criteria: CeGaT Center For Human Genetics Tuebingen Variant Classification Criteria Version 2. Collection method: clinical testing. Allele origin: germline. Affected: yes. Observed: 1 variant allele.
Comment: FCSK: BP4, BP7

Labcorp Genetics (formerly Invitae), Labcorp
Classification: Likely benign. Last evaluated: 2025-12-19. Review status: criteria provided, single submitter. Criteria: Invitae Variant Classification Sherloc (09022015). Collection method: clinical testing. Allele origin: germline.

PreventionGenetics, part of Exact Sciences
Classification: Likely benign for FCSK-related condition. Last evaluated: 2019-12-04. Review status: no assertion criteria provided. Collection method: clinical testing. Allele origin: germline. Not counted in ClinVar's aggregate classification.
Comment: This variant is classified as likely benign based on ACMG/AMP sequence variant interpretation guidelines (Richards et al. 2015 PMID: 25741868, with internal and published modifications).

NM_145059.3(FCSK):c.1749C>T (p.Pro583=)

Gene: FCSK (fucose kinase; plus strand). Cytogenetic location: 16q22.1.
Variant type: single nucleotide variant.
Coding change: c.1749C>T on transcript NM_145059.3 (MANE Select); coding-DNA position 1749, C replaced by T.
Protein change: p.Pro583=; no amino-acid change (proline 583 retained).
Molecular consequence: synonymous variant.
Genome position (GRCh38, 1-based): chr16:70,473,325, C>T. VCF-style: chr16-70473325-C-T. GRCh37 (hg19) VCF-style: chr16-70507228-C-T.
Other names: c.1749C>T (NM_145059.2).
Identifiers: ClinVar variation 2072874 (VCV002072874.7), dbSNP rs370157960, ClinGen allele CA8143413.
Genomic context (GRCh38, chr16:70,473,325, plus strand): 5'-GGCCCGGCAGGACCTCAGCCTGCGCCCGCTGATCTGGGCTGCTGTCCGCGAGGGCTGCCC[C>T]GGGCCCCTGCTGGCCACGCTGGACCAGGGTGAGTGTGCAGGCTGGTAGTGCTGCAGAATC-3'
Protein context (NP_659496.2, residues 573-593): LIWAAVREGC[Pro583=]GPLLATLDQV